The following is an entry in ClinVar:

ClinVar aggregate classification (germline): Uncertain significance (1 of 4 stars; one submission).

Conditions:
Saldino-Mainzer syndrome (SRTD9). Also called: Renal dysplasia, retinal pigmentary dystrophy, cerebellar ataxia and skeletal dysplasia; CONORENAL SYNDROME; short-rib thoracic dysplasia 9 with or without polydactyly; SHORT-RIB THORACIC DYSPLASIA 9 WITHOUT POLYDACTYLY. Identifiers: Orphanet 140969, MedGen C1849437, MONDO:0009964, OMIM 266920.

gnomAD v4.1: 1 of 1,595,046 alleles (0.000063%); no homozygotes.

Submission:

Labcorp Genetics (formerly Invitae), Labcorp
Classification: Uncertain significance for Saldino-Mainzer syndrome. Last evaluated: 2022-08-03. Review status: criteria provided, single submitter. Criteria: Invitae Variant Classification Sherloc (09022015). Collection method: clinical testing. Allele origin: germline.
Comment: This sequence change replaces valine, which is neutral and non-polar, with isoleucine, which is neutral and non-polar, at codon 891 of the IFT140 protein (p.Val891Ile). In summary, the available evidence is currently insufficient to determine the role of this variant in disease. Therefore, it has been classified as a Variant of Uncertain Significance. Algorithms developed to predict the effect of sequence changes on RNA splicing suggest that this variant may disrupt the consensus splice site. Algorithms developed to predict the effect of missense changes on protein structure and function output the following: SIFT: "Tolerated"; PolyPhen-2: "Benign"; Align-GVGD: "Class C0". The isoleucine amino acid residue is found in multiple mammalian species, which suggests that this missense change does not adversely affect protein function. This variant has not been reported in the literature in individuals affected with IFT140-related conditions. This variant is not present in population databases (gnomAD no frequency).

NM_014714.4(IFT140):c.2671G>A (p.Val891Ile)

Gene: IFT140 (intraflagellar transport 140; minus strand). Cytogenetic location: 16p13.3.
Variant type: single nucleotide variant.
Coding change: c.2671G>A on transcript NM_014714.4 (MANE Select); coding-DNA position 2671, G replaced by A.
Protein change: p.Val891Ile; replaces valine 891 with isoleucine.
Molecular consequence: missense variant.
Genome position (GRCh38, 1-based): chr16:1,525,984, C>T on the plus strand (G>A on the coding strand, the complement: IFT140 is on the minus strand). VCF-style: chr16-1525984-C-T. GRCh37 (hg19) VCF-style: chr16-1575985-C-T.
Other names: short protein forms V891I.
Identifiers: ClinVar variation 1898732 (VCV001898732.5), dbSNP rs1454134407, ClinGen allele CA394227446.